The following is an entry in ClinVar:

NM_007294.4(BRCA1):c.441+13G>A

Gene: BRCA1 (BRCA1 DNA repair associated; minus strand). Cytogenetic location: 17q21.31.
Variant type: single nucleotide variant.
Coding change: c.441+13G>A on transcript NM_007294.4 (MANE Select); 13 bases into the intron after coding-DNA position 441, G replaced by A.
Molecular consequence: intron variant.
Genome position (GRCh38, 1-based): chr17:43,104,109, C>T on the plus strand (G>A on the coding strand, the complement: BRCA1 is on the minus strand). VCF-style: chr17-43104109-C-T. GRCh37 (hg19) VCF-style: chr17-41256126-C-T.
Other names: c.300+13G>A (NM_001408458.1, NM_001407931.1, NM_001407747.1 and 99 more transcripts); c.-218-9249G>A (NM_001407967.1, NM_001407966.1); c.60+13G>A (NM_001407959.1, NM_001407962.1, NM_001408512.1 and 4 more transcripts); c.231+13G>A (NM_001407885.1, NM_001407886.1, NM_001407898.1 and 58 more transcripts); c.441+13G>A (NM_001407686.1, NM_001408397.1, NM_001407632.1 and 164 more transcripts); c.309+13G>A (NM_001408451.1); c.363+13G>A (NM_001408475.1, NM_001407875.1, NM_001407659.1 and 21 more transcripts); c.432+13G>A (NM_001408408.1, NM_001407647.1, NM_001407646.1).
Identifiers: ClinVar variation 378919 (VCV000378919.18), dbSNP rs1057520408, ClinGen allele CA16607676.
Genomic context (GRCh38, chr17:43,104,109, plus strand): 5'-CTCCATCTCAAAAAAAAAAAAGAAAAAAAAAAGAAAAGAAGAAGAAGAAGAAGAAGAAAA[C>T]AAATGGTTTTACCAAGGAAGGATTTTCGGGTTCACTCTGTAGAAGTCTTTTGGCACGGTT-3'

ClinVar aggregate classification (germline): Benign/Likely benign. Review status: criteria provided, multiple submitters, no conflicts (2 of 4 stars). 6 submissions from 6 submitters: Benign (1); Likely benign (4). 1 of the submissions does not count toward it. Last evaluated 2025-10-07.

Conditions:
Breast-ovarian cancer, familial, susceptibility to, 1 (BROVCA1). Also called: BRCA1 Hereditary Breast and Ovarian Cancer; OVARIAN CANCER, SUSCEPTIBILITY TO. Identifiers: Orphanet 145, MedGen C2676676, MONDO:0011450, OMIM 604370. Disease mechanism: loss of function.
Hereditary breast ovarian cancer syndrome. Also called: Hereditary breast and ovarian cancer syndrome; Breast and ovarian cancer; Hereditary breast and ovarian cancer syndrome (HBOC); Hereditary breast and/or ovarian cancer syndrome; BRCA1- and BRCA2-Associated Hereditary Breast and Ovarian Cancer; Hereditary breast and ovarian cancer. Identifiers: Orphanet 145, MedGen C0677776, MeSH D061325, MONDO:0003582. Disease mechanism: loss of function.
Hereditary cancer-predisposing syndrome. Also called: Neoplastic Syndromes, Hereditary; Hereditary neoplastic syndrome; Hereditary Cancer Syndrome; Tumor predisposition. Identifiers: Orphanet 140162, MedGen C0027672, MeSH D009386, MONDO:0015356.

Allele frequency attached by ClinVar (database versions not stated): gnomAD exomes below 0.00001.
gnomAD v4.1: 3 of 1,595,930 alleles (0.00019%); highest among the groups gnomAD compares: Non-Finnish European, 0.00017%; no homozygotes.

Submissions (6):

Labcorp Genetics (formerly Invitae), Labcorp
Classification: Benign for Hereditary breast ovarian cancer syndrome. Last evaluated: 2025-10-07. Review status: criteria provided, single submitter. Criteria: Invitae Variant Classification Sherloc (09022015). Collection method: clinical testing. Allele origin: germline.

Women's Health and Genetics/Laboratory Corporation of America, LabCorp
Classification: Likely benign. Last evaluated: 2024-12-11. Review status: criteria provided, single submitter. Criteria: LabCorp Variant Classification Summary - May 2015. Collection method: clinical testing. Allele origin: germline.

Blueprint Genetics
Classification: Likely benign. Last evaluated: 2021-11-03. Review status: criteria provided, single submitter. Criteria: ACMG Guidelines, 2015. Collection method: clinical testing. Allele origin: germline.

Color Diagnostics, LLC DBA Color Health
Classification: Likely benign for Hereditary cancer-predisposing syndrome. Last evaluated: 2017-08-09. Review status: criteria provided, single submitter. Criteria: ACMG Guidelines, 2015. Collection method: clinical testing. Allele origin: germline.

GeneDx
Classification: Likely benign. Last evaluated: 2016-08-31. Review status: criteria provided, single submitter. Criteria: GeneDx Variant Classification (06012015). Collection method: clinical testing. Allele origin: germline. Affected: yes.
Comment: This variant is considered likely benign or benign based on one or more of the following criteria: it is a conservative change, it occurs at a poorly conserved position in the protein, it is predicted to be benign by multiple in silico algorithms, and/or has population frequency not consistent with disease.

BRCAlab, Lund University
Classification: Likely benign for Breast-ovarian cancer, familial, susceptibility to, 1. Last evaluated: 2020-03-02. Review status: no assertion criteria provided. Collection method: clinical testing. Allele origin: germline. Affected: yes. Not counted in ClinVar's aggregate classification.